The following is an entry in ClinVar:

NM_032444.4(SLX4):c.2018C>G (p.Ser673Cys)

Gene: SLX4 (SLX4 structure-specific endonuclease subunit; minus strand). Cytogenetic location: 16p13.3.
Variant type: single nucleotide variant.
Coding change: c.2018C>G on transcript NM_032444.4 (MANE Select); coding-DNA position 2018, C replaced by G.
Protein change: p.Ser673Cys; replaces serine 673 with cysteine.
Molecular consequence: missense variant.
Genome position (GRCh38, 1-based): chr16:3,594,595, G>C on the plus strand (C>G on the coding strand, the complement: SLX4 is on the minus strand). VCF-style: chr16-3594595-G-C. GRCh37 (hg19) VCF-style: chr16-3644596-G-C.
Other names: short protein forms S673C.
Identifiers: ClinVar variation 3706701 (VCV003706701.2).

ClinVar aggregate classification (germline): Uncertain significance (1 of 4 stars; one submission).

Conditions:
Fanconi anemia (FA). Also called: Fanconi's anemia. Identifiers: Orphanet 84, MedGen C0015625, MeSH D005199, MONDO:0019391.

gnomAD v4.1: 3 of 1,614,092 alleles (0.00019%); highest among the groups gnomAD compares: East Asian, 0.0067%; no homozygotes.

Submission:

Labcorp Genetics (formerly Invitae), Labcorp
Classification: Uncertain significance for Fanconi anemia. Last evaluated: 2024-05-19. Review status: criteria provided, single submitter. Criteria: Invitae Variant Classification Sherloc (09022015). Collection method: clinical testing. Allele origin: germline.
Comment: This sequence change replaces serine, which is neutral and polar, with cysteine, which is neutral and slightly polar, at codon 673 of the SLX4 protein (p.Ser673Cys). This variant is present in population databases (no rsID available, gnomAD 0.006%). This variant has not been reported in the literature in individuals affected with SLX4-related conditions. An algorithm developed to predict the effect of missense changes on protein structure and function (PolyPhen-2) suggests that this variant is likely to be tolerated. In summary, the available evidence is currently insufficient to determine the role of this variant in disease. Therefore, it has been classified as a Variant of Uncertain Significance.